The following is an entry in ClinVar:

NM_004329.3(BMPR1A):c.1348G>A (p.Val450Met)

Gene: BMPR1A (bone morphogenetic protein receptor type 1A; plus strand). Cytogenetic location: 10q23.2.
Variant type: single nucleotide variant.
Coding change: c.1348G>A on transcript NM_004329.3 (MANE Select); coding-DNA position 1348, G replaced by A.
Protein change: p.Val450Met; replaces valine 450 with methionine.
Molecular consequence: missense variant.
Genome position (GRCh38, 1-based): chr10:86,923,381, G>A. VCF-style: chr10-86923381-G-A. GRCh37 (hg19) VCF-style: chr10-88683138-G-A.
Other names: short protein forms V450M.
Identifiers: ClinVar variation 142024 (VCV000142024.58), dbSNP rs55932635, ClinGen allele CA167163.

ClinVar aggregate classification (germline): Conflicting classifications of pathogenicity. Review status: criteria provided, conflicting classifications (1 of 4 stars). 13 submissions from 13 submitters: Uncertain significance (6); Likely benign (7). Last evaluated 2026-05-05.

Conditions:
Juvenile polyposis syndrome (JPS). Identifiers: Orphanet 2929, MedGen C0345893, MONDO:0017380, OMIM 174900.
Hereditary cancer-predisposing syndrome. Also called: Tumor predisposition; Hereditary neoplastic syndrome; Hereditary Cancer Syndrome; Neoplastic Syndromes, Hereditary. Identifiers: Orphanet 140162, MedGen C0027672, MeSH D009386, MONDO:0015356.

Allele frequency attached by ClinVar (database versions not stated): gnomAD exomes 0.00002 and 0.00006; ExAC 0.00008; ESP Exome Variant Server 0.00008; gnomAD 0.00008 and 0.00009; TOPMed 0.00015.
gnomAD v4.1: 50 of 1,613,946 alleles (0.0031%); highest among the groups gnomAD compares: Middle Eastern, 0.12%; no homozygotes.

Submissions (13):

Women's Health and Genetics/Laboratory Corporation of America, LabCorp
Classification: Likely benign. Last evaluated: 2026-05-05. Review status: criteria provided, single submitter. Criteria: LabCorp Variant Classification Summary - May 2015. Collection method: clinical testing. Allele origin: germline.
Comment: Variant summary: BMPR1A c.1348G>A (p.Val450Met) results in a conservative amino acid change in the encoded protein sequence. Algorithms developed to predict the effect of missense changes on protein structure and function are either unavailable or do not agree on the potential impact of this missense change. The variant allele was found at a frequency of 6.4e-05 in 251480 control chromosomes. The observed variant frequency exceeds the estimated maximal expected allele frequency for disease-causing variants in BMPR1A. c.1348G>A has been reported in the literature in individuals affected with colorectal cancer or breast cancer (Yurgelun_2017, Dutil_2019, Kwong_2020). These reports do not provide unequivocal conclusions about association of the variant with Juvenile Polyposis Syndrome. To our knowledge, no experimental evidence demonstrating an impact on protein function has been reported. The following publications have been ascertained in the context of this evaluation (PMID: 31780696, 21153778, 32068069, 28135145). ClinVar contains an entry for this variant (Variation ID: 142024). Based on the evidence outlined above, the variant was classified as likely benign.

Labcorp Genetics (formerly Invitae), Labcorp
Classification: Likely benign for Juvenile polyposis syndrome. Last evaluated: 2026-02-04. Review status: criteria provided, single submitter. Criteria: Invitae Variant Classification Sherloc (09022015). Collection method: clinical testing. Allele origin: germline.

Center for Genomic Medicine, Rigshospitalet, Copenhagen University Hospital
Classification: Uncertain significance. Last evaluated: 2025-03-04. Review status: criteria provided, single submitter. Criteria: ACMG Guidelines, 2015. Collection method: clinical testing. Allele origin: germline.

Myriad Genetics, Inc.
Classification: Likely benign for Juvenile polyposis syndrome. Last evaluated: 2025-01-23. Review status: criteria provided, single submitter. Criteria: Myriad Autosomal Dominant, Autosomal Recessive and X-Linked Classification Criteria (2023). Collection method: clinical testing. Allele origin: unknown.
Comment: This variant is considered likely benign. This variant has been observed at a population frequency that is significantly greater than expected given the associated disease prevalence and penetrance.

CeGaT Center for Human Genetics Tuebingen
Classification: Uncertain significance. Last evaluated: 2024-04-01. Review status: criteria provided, single submitter. Criteria: CeGaT Center For Human Genetics Tuebingen Variant Classification Criteria Version 2. Collection method: clinical testing. Allele origin: germline. Affected: yes. Observed: 1 variant allele.

Revvity Omics, Revvity
Classification: Uncertain significance. Last evaluated: 2023-06-08. Review status: criteria provided, single submitter. Criteria: ACMG Guidelines, 2015. Collection method: clinical testing. Allele origin: germline.

Quest Diagnostics Nichols Institute San Juan Capistrano
Classification: Likely benign. Last evaluated: 2023-05-17. Review status: criteria provided, single submitter. Criteria: Quest Diagnostics criteria. Collection method: clinical testing. Allele origin: unknown.

Mayo Clinic Laboratories, Mayo Clinic
Classification: Uncertain significance. Last evaluated: 2022-12-09. Review status: criteria provided, single submitter. Criteria: ACMG Guidelines, 2015. Collection method: clinical testing. Allele origin: germline. Observed: 1 variant allele.

GeneDx
Classification: Uncertain significance. Last evaluated: 2022-08-10. Review status: criteria provided, single submitter. Criteria: GeneDx Variant Classification Process June 2021. Collection method: clinical testing. Allele origin: germline. Affected: yes.
Comment: In silico analysis, which includes protein predictors and evolutionary conservation, supports that this variant does not alter protein structure/function; Observed in individuals with colorectal, gastric, or breast cancer (Greenman 2007, Yurgelun 2017, Dutil 2019); This variant is associated with the following publications: (PMID: 25980754, 28135145, 21153778, 26659599, 17344846, 30761385, 32068069, 31780696, 27535533)

Blueprint Genetics
Classification: Likely benign. Last evaluated: 2022-07-26. Review status: criteria provided, single submitter. Criteria: ACMG Guidelines, 2015. Collection method: clinical testing. Allele origin: germline.

Sema4
Classification: Uncertain significance for Hereditary cancer-predisposing syndrome. Last evaluated: 2022-02-05. Review status: criteria provided, single submitter. Criteria: Sema4 Curation Guidelines. Collection method: curation. Allele origin: germline.
Comment: The BMPR1A c.1348G>A (p.V450M) variant has been reported in heterozygosity in at least one individual with colorectal cancer (PMID: 28135145) and two individuals with breast cancer (PMID: 31780696, 32068069). It was observed in 8/18394 chromosomes of the East Asian subpopulation in the large and broad cohorts of the Genome Aggregation Database (PMID: 32461654). The variant has been reported in ClinVar (Variation ID 142024). Functional studies have not been performed, and in silico predictions of the variant's effect on protein function are inconclusive. The evidence is insufficient to meet ACMG/AMP criteria for classifying the variant as benign or pathogenic. Thus, the clinical significance of this variant is currently uncertain.

Color Diagnostics, LLC DBA Color Health
Classification: Likely benign for Hereditary cancer-predisposing syndrome. Last evaluated: 2021-06-14. Review status: criteria provided, single submitter. Criteria: ACMG Guidelines, 2015. Collection method: clinical testing. Allele origin: germline.

Ambry Genetics
Classification: Likely benign for Hereditary cancer-predisposing syndrome. Last evaluated: 2018-07-22. Review status: criteria provided, single submitter. Criteria: Ambry Variant Classification Scheme 2023. Collection method: clinical testing. Allele origin: germline.

Literature cited by the submitters: PubMed 21153778 (cited by Women's Health and Genetics/Laboratory Corporation of America, LabCorp and Quest Diagnostics Nichols Institute San Juan Capistrano); PubMed 28135145 (cited by 4 submitters); PubMed 31780696 (cited by 3 submitters); PubMed 32068069 (cited by 3 submitters); PubMed 17344846 (cited by Quest Diagnostics Nichols Institute San Juan Capistrano); PubMed 26659599 (cited by Quest Diagnostics Nichols Institute San Juan Capistrano).